The following is an entry in ClinVar:

NM_199420.4(POLQ):c.4381C>A (p.Leu1461Met)

Gene: POLQ (DNA polymerase theta; minus strand). Cytogenetic location: 3q13.33.
Variant type: single nucleotide variant.
Coding change: c.4381C>A on transcript NM_199420.4 (MANE Select); coding-DNA position 4381, C replaced by A.
Protein change: p.Leu1461Met; replaces leucine 1461 with methionine.
Molecular consequence: missense variant.
Genome position (GRCh38, 1-based): chr3:121,488,550, G>T on the plus strand (C>A on the coding strand, the complement: POLQ is on the minus strand). VCF-style: chr3-121488550-G-T. GRCh37 (hg19) VCF-style: chr3-121207397-G-T.
Other names: short protein forms L1461M.
Identifiers: ClinVar variation 2563760 (VCV002563760.2), dbSNP rs144749699, ClinGen allele CA354095271.

ClinVar aggregate classification (germline): Uncertain significance (1 of 4 stars; one submission).

Submission:

Ambry Genetics
Classification: Uncertain significance. Last evaluated: 2023-03-17. Review status: criteria provided, single submitter. Criteria: Ambry Variant Classification Scheme 2023. Collection method: clinical testing. Allele origin: germline.
Comment: The p.L1461M variant (also known as c.4381C>A), located in coding exon 16 of the POLQ gene, results from a C to A substitution at nucleotide position 4381. The leucine at codon 1461 is replaced by methionine, an amino acid with highly similar properties. This amino acid position is conserved. In addition, this alteration is predicted to be tolerated by in silico analysis. Since supporting evidence is limited at this time, the clinical significance of this alteration remains unclear.